The following is an entry in ClinVar:

ClinVar aggregate classification (germline): Uncertain significance (1 of 4 stars; one submission).

Allele frequency attached by ClinVar (database versions not stated): ExAC 0.00001.
gnomAD v4.1: 8 of 1,571,874 alleles (0.00051%); highest among the groups gnomAD compares: South Asian, 0.0023%; no homozygotes.

Submission:

Labcorp Genetics (formerly Invitae), Labcorp
Classification: Uncertain significance. Last evaluated: 2025-02-10. Review status: criteria provided, single submitter. Criteria: Invitae Variant Classification Sherloc (09022015). Collection method: clinical testing. Allele origin: germline.
Comment: This sequence change replaces proline, which is neutral and non-polar, with leucine, which is neutral and non-polar, at codon 494 of the PCLO protein (p.Pro494Leu). This variant is present in population databases (rs762087233, gnomAD 0.003%). This variant has not been reported in the literature in individuals affected with PCLO-related conditions. ClinVar contains an entry for this variant (Variation ID: 3010223). An algorithm developed to predict the effect of missense changes on protein structure and function (PolyPhen-2) suggests that this variant is likely to be disruptive. In summary, the available evidence is currently insufficient to determine the role of this variant in disease. Therefore, it has been classified as a Variant of Uncertain Significance.

NM_033026.6(PCLO):c.1481C>T (p.Pro494Leu)

Gene: PCLO (piccolo presynaptic cytomatrix protein; minus strand). Cytogenetic location: 7q21.11.
Variant type: single nucleotide variant.
Coding change: c.1481C>T on transcript NM_033026.6 (MANE Select); coding-DNA position 1481, C replaced by T.
Protein change: p.Pro494Leu; replaces proline 494 with leucine.
Molecular consequence: missense variant.
Genome position (GRCh38, 1-based): chr7:83,155,160, G>A on the plus strand (C>T on the coding strand, the complement: PCLO is on the minus strand). VCF-style: chr7-83155160-G-A. GRCh37 (hg19) VCF-style: chr7-82784476-G-A.
Other names: c.1481C>T, p.Pro494Leu (NM_014510.3); short protein forms P494L.
Identifiers: ClinVar variation 3010223 (VCV003010223.3), dbSNP rs762087233, ClinGen allele CA4321446.
Genomic context (GRCh38, chr7:83,155,160, plus strand): 5'-GGCTGTTGAGGTGGGGGTTTTGTTGAGCCAGGCTGTTGAGATGGGGGCTTTGCTGAGCCA[G>A]GCTGTTGAGGTGGGGGCTTTGCTGGGCCAGGCTGTTGAGGTGGGGGCTTTGCTGGGCCAG-3'
Protein context (NP_149015.2, residues 484-504): PGPAKPPPQQ[Pro494Leu]GSAKPPSQQP